The following is an entry in ClinVar:

NM_000808.4(GABRA3):c.1249T>G (p.Ser417Ala)

Gene: GABRA3 (gamma-aminobutyric acid type A receptor subunit alpha3; minus strand). Cytogenetic location: Xq28.
Variant type: single nucleotide variant.
Coding change: c.1249T>G on transcript NM_000808.4 (MANE Select); coding-DNA position 1249, T replaced by G.
Protein change: p.Ser417Ala; replaces serine 417 with alanine.
Molecular consequence: missense variant.
Genome position (GRCh38, 1-based): chrX:152,168,458, A>C on the plus strand (T>G on the coding strand, the complement: GABRA3 is on the minus strand). VCF-style: chrX-152168458-A-C. GRCh37 (hg19) VCF-style: chrX-151336930-A-C.
Other names: short protein forms S417A.
Identifiers: ClinVar variation 4872535 (VCV004872535.2).

ClinVar aggregate classification (germline): Uncertain significance (1 of 4 stars; one submission).

gnomAD v4.1: 1 of 1,211,412 alleles (0.000083%); highest among the groups gnomAD compares: Non-Finnish European, 0.00011%; no homozygotes.

Submission:

CeGaT Center for Human Genetics Tuebingen
Classification: Uncertain significance. Last evaluated: 2026-06-01. Review status: criteria provided, single submitter. Criteria: CeGaT Center For Human Genetics Tuebingen Variant Classification Criteria Version 2. Collection method: clinical testing. Allele origin: germline. Affected: yes. Observed: 1 variant allele.
Comment: GABRA3: PM2